The following is an entry in ClinVar:

NM_001024630.4(RUNX2):c.1342G>T (p.Gly448Cys)

Gene: RUNX2 (RUNX family transcription factor 2; plus strand). Cytogenetic location: 6p21.1.
Variant type: single nucleotide variant.
Coding change: c.1342G>T on transcript NM_001024630.4 (MANE Select); coding-DNA position 1342, G replaced by T.
Protein change: p.Gly448Cys; replaces glycine 448 with cysteine.
Molecular consequence: missense variant.
Genome position (GRCh38, 1-based): chr6:45,547,081, G>T. VCF-style: chr6-45547081-G-T. GRCh37 (hg19) VCF-style: chr6-45514818-G-T.
Other names: c.1276G>T, p.Gly426Cys (NM_001015051.4); c.1234G>T, p.Gly412Cys (NM_001278478.2); c.1300G>T, p.Gly434Cys (NM_001369405.1); short protein forms G434C, G412C, G426C, G448C.
Identifiers: ClinVar variation 1491420 (VCV001491420.8), dbSNP rs1384517929, ClinGen allele CA363957023.

ClinVar aggregate classification (germline): Uncertain significance (1 of 4 stars; one submission).

Allele frequency attached by ClinVar (database versions not stated): gnomAD exomes 0.00001 and 0.00004; gnomAD 0.00006; TOPMed 0.00006.
gnomAD v4.1: 17 of 1,613,902 alleles (0.0011%); highest among the groups gnomAD compares: Admixed American, 0.028%; no homozygotes.

Submission:

Labcorp Genetics (formerly Invitae), Labcorp
Classification: Uncertain significance. Last evaluated: 2021-05-25. Review status: criteria provided, single submitter. Criteria: Invitae Variant Classification Sherloc (09022015). Collection method: clinical testing. Allele origin: germline.
Comment: In summary, the available evidence is currently insufficient to determine the role of this variant in disease. Therefore, it has been classified as a Variant of Uncertain Significance. Algorithms developed to predict the effect of missense changes on protein structure and function are either unavailable or do not agree on the potential impact of this missense change (SIFT: "Deleterious"; PolyPhen-2: "Probably Damaging"; Align-GVGD: "Class C0"). This variant has not been reported in the literature in individuals with RUNX2-related conditions. This variant is not present in population databases (ExAC no frequency). This sequence change replaces glycine with cysteine at codon 448 of the RUNX2 protein (p.Gly448Cys). The glycine residue is highly conserved and there is a large physicochemical difference between glycine and cysteine.